The following is an entry in ClinVar:

ClinVar aggregate classification (germline): Conflicting classifications of pathogenicity. Review status: criteria provided, conflicting classifications (1 of 4 stars). 7 submissions from 7 submitters: Uncertain significance (1); Benign (1); Likely benign (5). Last evaluated 2026-05-27.

Conditions:
DIAPH1-related disorder. Also called: DIAPH1-related condition.
Progressive microcephaly-seizures-cortical blindness-developmental delay syndrome. Also called: Seizures, cortical blindness, and microcephaly syndrome. Identifiers: Orphanet 477814, MedGen C5567650, MONDO:0014714, OMIM 616632.
Autosomal dominant nonsyndromic hearing loss 1. Also called: DEAFNESS, AUTOSOMAL DOMINANT 1, WITH OR WITHOUT THROMBOCYTOPENIA; KONIGSMARK SYNDROME. Identifiers: Orphanet 90635, MedGen C1852282, MONDO:0007424, OMIM 124900.

Submissions (7):

PreventionGenetics, part of Exact Sciences
Classification: Likely benign for DIAPH1-related condition. Last evaluated: 2026-05-27. Review status: criteria provided, single submitter. Criteria: ACMG Guidelines, 2015. Collection method: clinical testing. Allele origin: germline.
Comment: This variant is classified as likely benign based on ACMG/AMP sequence variant interpretation guidelines (Richards et al. 2015 PMID: 25741868, with internal and published modifications).

Labcorp Genetics (formerly Invitae), Labcorp
Classification: Likely benign for Progressive microcephaly-seizures-cortical blindness-developmental delay syndrome; Autosomal dominant nonsyndromic hearing loss 1. Last evaluated: 2026-01-28. Review status: criteria provided, single submitter. Criteria: Invitae Variant Classification Sherloc (09022015). Collection method: clinical testing. Allele origin: germline.

Laboratory of Genetics, Children's Clinical University Hospital Latvia
Classification: Benign. Last evaluated: 2025-02-16. Review status: criteria provided, single submitter. Criteria: ACMG Guidelines, 2015. Collection method: clinical testing. Allele origin: germline. Affected: yes.

Blueprint Genetics
Classification: Likely benign. Last evaluated: 2024-11-25. Review status: criteria provided, single submitter. Criteria: ACMG Guidelines, 2015. Collection method: clinical testing. Allele origin: germline.

Fulgent Genetics
Classification: Likely benign for Autosomal dominant nonsyndromic hearing loss 1; Progressive microcephaly-seizures-cortical blindness-developmental delay syndrome. Last evaluated: 2022-04-04. Review status: criteria provided, single submitter. Criteria: ACMG Guidelines, 2015. Collection method: clinical testing. Allele origin: unknown.

GeneDx
Classification: Likely benign. Last evaluated: 2021-05-12. Review status: criteria provided, single submitter. Criteria: GeneDx Variant Classification Process June 2021. Collection method: clinical testing. Allele origin: germline. Affected: yes.

Revvity Omics, Revvity
Classification: Uncertain significance. Last evaluated: 2020-10-20. Review status: criteria provided, single submitter. Criteria: ACMG Guidelines, 2015. Collection method: clinical testing. Allele origin: germline.

NM_005219.5(DIAPH1):c.1821TCC[7] (p.Pro617_Pro620del)

Gene: DIAPH1 (diaphanous related formin 1; minus strand). Cytogenetic location: 5q31.3.
Variant type: Microsatellite.
Coding change: c.1821TCC[7] on transcript NM_005219.5 (MANE Select); seven copies in a row of the 3-base unit TCC starting at c.1821; the reference has 11 copies in a row; four copies, 12 bases deleted; also written c.1842_1853del.
Protein change: p.Pro617_Pro620del.
Molecular consequence: inframe deletion.
Genome position (GRCh38, 1-based): chr5:141,573,997-141,574,008, GGAGGAGGAGGA deleted on the plus strand (TCCTCCTCCTCC on the coding strand, the reverse complement: DIAPH1 is on the minus strand); deleting any 12 consecutive bases within chr5:141,573,997-141,574,030 gives the same sequence; the position shown is the placement nearest the transcript's 3' end. VCF-style (leftmost placement, unchanged base first): chr5-141573996-TGGAGGAGGAGGA-T. GRCh37 (hg19) VCF-style: chr5-140953563-TGGAGGAGGAGGA-T.
Other names: c.1842_1853del (NM_005219.5, NM_005219.4); c.1842_1853del12 (NM_005219.4); c.1794TCC[7], p.Pro608_Pro611del (NM_001079812.3); c.1821TCC[7], p.Pro617_Pro620del (NM_001314007.2).
Identifiers: ClinVar variation 542370 (VCV000542370.21), dbSNP rs3075570, ClinGen allele CA3479201.
Genomic context (GRCh38, chr5:141,573,996, plus strand): 5'-AGCAGTACCTCCAGGTAAAGAAGGGGGTGAGGAGATGCAAACACCCCCAGGCAAAGGAGG[TGGAGGAGGAGGA>T]GGAGGAGGAGGAGGAGGAGGAGTGGTACTATCCCCAGGAGCAGGTGGTGGTGGAATAATA-3'